The following is an entry in ClinVar:

NM_000214.3(JAG1):c.3538G>A (p.Asp1180Asn)

Gene: JAG1 (jagged canonical Notch ligand 1; minus strand). Cytogenetic location: 20p12.2.
Variant type: single nucleotide variant.
Coding change: c.3538G>A on transcript NM_000214.3 (MANE Select); coding-DNA position 3538, G replaced by A.
Protein change: p.Asp1180Asn; replaces aspartic acid 1180 with asparagine.
Molecular consequence: missense variant.
Genome position (GRCh38, 1-based): chr20:10,639,617, C>T on the plus strand (G>A on the coding strand, the complement: JAG1 is on the minus strand). VCF-style: chr20-10639617-C-T. GRCh37 (hg19) VCF-style: chr20-10620265-C-T.
Other names: short protein forms D1180N.
Identifiers: ClinVar variation 1732424 (VCV001732424.3), dbSNP rs1023698515, ClinGen allele CA311367309.

ClinVar aggregate classification (germline): Uncertain significance. Review status: criteria provided, multiple submitters, no conflicts (2 of 4 stars). 2 submissions from 2 submitters: Uncertain significance (2). Last evaluated 2022-08-27.

Conditions:
Cardiovascular phenotype. Identifiers: MedGen CN230736.

Allele frequency attached by ClinVar (database versions not stated): gnomAD 0.00001; TOPMed 0.00001.

Submissions (2):

GeneDx
Classification: Uncertain significance. Last evaluated: 2022-08-27. Review status: criteria provided, single submitter. Criteria: GeneDx Variant Classification Process June 2021. Collection method: clinical testing. Allele origin: germline. Affected: yes.
Comment: Not observed at significant frequency in large population cohorts (gnomAD); In silico analysis supports that this missense variant does not alter protein structure/function; Has not been previously published as pathogenic or benign to our knowledge

Ambry Genetics
Classification: Uncertain significance for Cardiovascular phenotype. Last evaluated: 2021-12-16. Review status: criteria provided, single submitter. Criteria: Ambry Variant Classification Scheme 2023. Collection method: clinical testing. Allele origin: germline.
Comment: The p.D1180N variant (also known as c.3538G>A), located in coding exon 26 of the JAG1 gene, results from a G to A substitution at nucleotide position 3538. The aspartic acid at codon 1180 is replaced by asparagine, an amino acid with highly similar properties. This amino acid position is conserved. In addition, this alteration is predicted to be tolerated by in silico analysis. Since supporting evidence is limited at this time, the clinical significance of this alteration remains unclear.